The following is an entry in ClinVar:

NM_153603.4(COG7):c.2000A>G (p.Gln667Arg)

Gene: COG7 (component of oligomeric golgi complex 7; minus strand). Cytogenetic location: 16p12.2.
Variant type: single nucleotide variant.
Coding change: c.2000A>G on transcript NM_153603.4 (MANE Select); coding-DNA position 2000, A replaced by G.
Protein change: p.Gln667Arg; replaces glutamine 667 with arginine.
Molecular consequence: missense variant.
Genome position (GRCh38, 1-based): chr16:23,393,235, T>C on the plus strand (A>G on the coding strand, the complement: COG7 is on the minus strand). VCF-style: chr16-23393235-T-C. GRCh37 (hg19) VCF-style: chr16-23404556-T-C.
Other names: c.2000A>G (NM_153603.3); short protein forms Q667R.
Identifiers: ClinVar variation 4748309 (VCV004748309.2).

ClinVar aggregate classification (germline): Uncertain significance. Review status: criteria provided, multiple submitters, no conflicts (2 of 4 stars). 2 submissions from 2 submitters: Uncertain significance (2). Last evaluated 2026-03-04.

Conditions:
COG7-related disorder. Also called: COG7-related condition.
COG7 congenital disorder of glycosylation (CDG2E). Also called: CONGENITAL DISORDER OF GLYCOSYLATION, TYPE IIe; CDG IIe. Identifiers: Orphanet 79333, MedGen C2931010, MONDO:0012118, OMIM 608779.

gnomAD v4.1: 8 of 1,612,342 alleles (0.0005%); highest among the groups gnomAD compares: South Asian, 0.0022%; no homozygotes.

Submissions (2):

PreventionGenetics, part of Exact Sciences
Classification: Uncertain significance for COG7-related condition. Last evaluated: 2026-03-04. Review status: criteria provided, single submitter. Criteria: ACMG Guidelines, 2015. Collection method: clinical testing. Allele origin: germline.
Comment: The COG7 c.2000A>G variant is predicted to result in the amino acid substitution p.Gln667Arg. To our knowledge, this variant has not been reported in the literature. This variant is reported in 0.0033% of alleles in individuals of South Asian descent in gnomAD. At this time, the clinical significance of this variant is uncertain due to the absence of conclusive functional and genetic evidence.

Labcorp Genetics (formerly Invitae), Labcorp
Classification: Uncertain significance for COG7 congenital disorder of glycosylation. Last evaluated: 2025-06-18. Review status: criteria provided, single submitter. Criteria: Invitae Variant Classification Sherloc (09022015). Collection method: clinical testing. Allele origin: germline.
Comment: This sequence change replaces glutamine, which is neutral and polar, with arginine, which is basic and polar, at codon 667 of the COG7 protein (p.Gln667Arg). This variant is present in population databases (rs547230744, gnomAD 0.003%). This variant has not been reported in the literature in individuals affected with COG7-related conditions. An algorithm developed to predict the effect of missense changes on protein structure and function (PolyPhen-2) suggests that this variant is likely to be disruptive. In summary, the available evidence is currently insufficient to determine the role of this variant in disease. Therefore, it has been classified as a Variant of Uncertain Significance.